The following is an entry in ClinVar:

ClinVar aggregate classification (germline): Pathogenic. Review status: criteria provided, multiple submitters, no conflicts (2 of 4 stars). 8 submissions from 8 submitters: Pathogenic (7). 1 of the submissions does not count toward it. Last evaluated 2025-09-09.

Conditions:
Congenital dyserythropoietic anemia, type II (CDAN2). Also called: DYSERYTHROPOIETIC ANEMIA, HEMPAS TYPE. Identifiers: Orphanet 98873, MedGen C1306589, MONDO:0009134, OMIM 224100.
SEC23B-related disorder. Also called: SEC23B-related condition; SEC23B-related disorders.
Cowden syndrome 7 (CWS7). Identifiers: Orphanet 201, MedGen C4225179, MONDO:0014802, OMIM 616858.

Allele frequency attached by ClinVar (database versions not stated): gnomAD 0.00002 and 0.00003; TOPMed 0.00003; gnomAD exomes 0.00006; ExAC 0.00007; ESP Exome Variant Server 0.00008.
gnomAD v4.1: 49 of 1,613,950 alleles (0.003%); highest among the groups gnomAD compares: Admixed American, 0.01%; no homozygotes.

Submissions (8):

Labcorp Genetics (formerly Invitae), Labcorp
Classification: Pathogenic for Congenital dyserythropoietic anemia, type II; Cowden syndrome 7. Last evaluated: 2025-09-09. Review status: criteria provided, single submitter. Criteria: Invitae Variant Classification Sherloc (09022015). Collection method: clinical testing. Allele origin: germline.
Comment: This sequence change creates a premature translational stop signal (p.Arg550*) in the SEC23B gene. It is expected to result in an absent or disrupted protein product. Loss-of-function variants in SEC23B are known to be pathogenic (PMID: 19561605, 25044164). This variant is present in population databases (rs199939108, gnomAD 0.02%). This premature translational stop signal has been observed in individuals with congenital dyserythropoietic anemia type II (CDAII) (PMID: 20015893). ClinVar contains an entry for this variant (Variation ID: 167668). Algorithms developed to predict the effect of sequence changes on RNA splicing suggest that this variant may disrupt the consensus splice site. For these reasons, this variant has been classified as Pathogenic.

Revvity Omics, Revvity
Classification: Pathogenic. Last evaluated: 2024-09-02. Review status: criteria provided, single submitter. Criteria: ACMG Guidelines, 2015. Collection method: clinical testing. Allele origin: germline.

GeneDx
Classification: Pathogenic. Last evaluated: 2024-01-31. Review status: criteria provided, single submitter. Criteria: GeneDx Variant Classification Process June 2021. Collection method: clinical testing. Allele origin: germline. Affected: yes.
Comment: Nonsense variant predicted to result in protein truncation or nonsense mediated decay in a gene for which loss of function is a known mechanism of disease; Not observed at significant frequency in large population cohorts (gnomAD); This variant is associated with the following publications: (PMID: 25525159, 31589614, 26522472, 35288346, 22208203, 25044164, 20015893, 30747246, 31839986, 29901818)

Women's Health and Genetics/Laboratory Corporation of America, LabCorp
Classification: Pathogenic for Congenital dyserythropoietic anemia, type II. Last evaluated: 2023-11-09. Review status: criteria provided, single submitter. Criteria: LabCorp Variant Classification Summary - May 2015. Collection method: clinical testing. Allele origin: germline.
Comment: Variant summary: SEC23B c.1648C>T (p.Arg550X) results in a premature termination codon, predicted to cause absence of the protein due to nonsense mediated decay, which is a commonly known mechanism for disease. The variant allele was found at a frequency of 5.6e-05 in 251430 control chromosomes. c.1648C>T has been reported in the literature in at-least two individuals affected with Congenital dyserythropoietic anemia, type II, along with two different pathogenic variants in SEC23B (example, Iolascon_2010) . These data indicate that the variant is very likely associated with disease. To our knowledge, no experimental evidence demonstrating an impact on protein function has been reported. The following publication have been ascertained in the context of this evaluation (PMID: 20015893). Three submitters have cited clinical-significance assessments for this variant to ClinVar after 2014. All submitters classified the variant as pathogenic. Based on the evidence outlined above, the variant was classified as pathogenic.

Blueprint Genetics
Classification: Pathogenic for SEC23B-related disorders. Last evaluated: 2023-01-20. Review status: criteria provided, single submitter. Criteria: ACMG Guidelines, 2015. Collection method: clinical testing. Allele origin: germline. Affected: yes. Observed: 4 variant alleles.

Dasa
Classification: Pathogenic for Congenital dyserythropoietic anemia, type II. Last evaluated: 2022-03-05. Review status: criteria provided, single submitter. Criteria: ACMG Guidelines, 2015. Collection method: clinical testing. Allele origin: germline. Affected: yes. Observed: 1 variant allele.
Comment: The c.1648C>T;p.(Arg550*) variant creates a premature translational stop signal in the SEC23B gene. It is expected to result in an absent or disrupted protein product - PVS1. This sequence change has been observed in affected individual(s) and ClinVar contains an entry for this variant (PMID: 20015893; PMID: 22208203) - PS4. The variant is present at low allele frequencies population databases (rs199939108 – gnomAD 0.0005657%; ABraOM no frequency) - PM2_supporting. The p.(Arg550*) was detected in trans with a pathogenic variant (PMID: 20015893) - PM3. In summary, the currently available evidence indicates that the variant is pathogenic.

Eurofins Ntd Llc (ga)
Classification: Pathogenic. Last evaluated: 2014-01-23. Review status: criteria provided, single submitter. Criteria: EGL Classification Definitions 2015. Collection method: clinical testing. Allele origin: germline. Observed: 1 variant allele, 1 heterozygote.

PreventionGenetics, part of Exact Sciences
Classification: Pathogenic for SEC23B-related condition. Last evaluated: 2024-04-08. Review status: no assertion criteria provided. Collection method: clinical testing. Allele origin: germline. Not counted in ClinVar's aggregate classification.
Comment: The SEC23B c.1648C>T variant is predicted to result in premature protein termination (p.Arg550*). This variant has previously been reported to be causative for congenital dyserythropoietic anemia (Iolascon et al. 2010. PubMed ID: 20015893; Punzo et al. 2011. PubMed ID: 22208203). This variant is reported in 0.015% of alleles in individuals of East Asian descent in gnomAD. Nonsense variants in SEC23B are expected to be pathogenic. This variant is interpreted as pathogenic.

Literature cited by the submitters: PubMed 19561605 (cited by Labcorp Genetics (formerly Invitae), Labcorp); PubMed 25044164 (cited by Labcorp Genetics (formerly Invitae), Labcorp); PubMed 20015893 (cited by 4 submitters); PubMed 22208203 (cited by Dasa).

NM_006363.6(SEC23B):c.1648C>T (p.Arg550Ter)

Gene: SEC23B (SEC23 homolog B, COPII component; plus strand). Cytogenetic location: 20p11.23.
Variant type: single nucleotide variant.
Coding change: c.1648C>T on transcript NM_006363.6 (MANE Select); coding-DNA position 1648, C replaced by T.
Protein change: p.Arg550Ter; replaces arginine 550 with a stop codon.
Molecular consequence: nonsense.
Genome position (GRCh38, 1-based): chr20:18,543,155, C>T. VCF-style: chr20-18543155-C-T. GRCh37 (hg19) VCF-style: chr20-18523799-C-T.
Other names: c.1648C>T (NM_006363.4); c.1648C>T, p.Arg550Ter (NM_001172745.3, NM_032985.6, NM_032986.5); c.1594C>T, p.Arg532Ter (NM_001172746.3); short protein forms R550*, R532*.
Identifiers: ClinVar variation 167668 (VCV000167668.19), dbSNP rs199939108, ClinGen allele CA234909.